The following is an entry in ClinVar:

NM_032043.3(BRIP1):c.1795-4T>C

Gene: BRIP1 (BRCA1 interacting DNA helicase 1; minus strand). Cytogenetic location: 17q23.2.
Variant type: single nucleotide variant.
Coding change: c.1795-4T>C on transcript NM_032043.3 (MANE Select); 4 bases into the intron before coding-DNA position 1795, T replaced by C.
Molecular consequence: intron variant.
Genome position (GRCh38, 1-based): chr17:61,780,405, A>G on the plus strand (T>C on the coding strand, the complement: BRIP1 is on the minus strand). VCF-style: chr17-61780405-A-G. GRCh37 (hg19) VCF-style: chr17-59857766-A-G.
Identifiers: ClinVar variation 2497439 (VCV002497439.3), dbSNP rs2145082143, ClinGen allele CA2580094506.
Genomic context (GRCh38, chr17:61,780,405, plus strand): 5'-TAATGTACCAGATGTCAAAACAATGGTCTGAACTTTGCCATTAATATCTGAAAAGGCCTA[A>G]AAGAAAACAACATTAGATAAATAAAATTATCTTTAGAAGAGGCTGGGCAAAGTGGCTCAC-3'

ClinVar aggregate classification (germline): Likely benign. Review status: criteria provided, multiple submitters, no conflicts (2 of 4 stars). 2 submissions from 2 submitters: Likely benign (2). Last evaluated 2024-08-29.

Conditions:
Hereditary cancer-predisposing syndrome. Also called: Neoplastic Syndromes, Hereditary; Hereditary neoplastic syndrome; Tumor predisposition; Hereditary Cancer Syndrome. Identifiers: Orphanet 140162, MedGen C0027672, MeSH D009386, MONDO:0015356.
Familial cancer of breast. Also called: BREAST CANCER, FAMILIAL; hereditary breast carcinoma; Hereditary breast cancer. Identifiers: Orphanet 227535, MedGen C0346153, MONDO:0016419, OMIM 114480. Disease mechanism: loss of function.

Submissions (2):

Myriad Genetics, Inc.
Classification: Likely benign for Familial cancer of breast. Last evaluated: 2024-08-29. Review status: criteria provided, single submitter. Criteria: Myriad Autosomal Dominant, Autosomal Recessive and X-Linked Classification Criteria (2023). Collection method: clinical testing. Allele origin: unknown.
Comment: This variant is considered likely benign. This variant is intronic and is not expected to impact mRNA splicing.

Ambry Genetics
Classification: Likely benign for Hereditary cancer-predisposing syndrome. Last evaluated: 2022-11-09. Review status: criteria provided, single submitter. Criteria: Ambry Variant Classification Scheme 2023. Collection method: clinical testing. Allele origin: germline.